The following is an entry in ClinVar:

ClinVar aggregate classification (germline): Uncertain significance (1 of 4 stars; one submission).

Conditions:
Ullrich congenital muscular dystrophy 2 (UCMD2). Identifiers: Orphanet 75840, MedGen C4225314, MONDO:0014654, OMIM 616470.
Bethlem myopathy 2 (BTHLM2). Identifiers: Orphanet 536516, Orphanet 610, MedGen C4225313, MONDO:0034022, OMIM 616471.

Submission:

Labcorp Genetics (formerly Invitae), Labcorp
Classification: Uncertain significance for Bethlem myopathy 2; Ullrich congenital muscular dystrophy 2. Last evaluated: 2025-02-25. Review status: criteria provided, single submitter. Criteria: Invitae Variant Classification Sherloc (09022015). Collection method: clinical testing. Allele origin: germline.
Comment: This sequence change replaces serine, which is neutral and polar, with cysteine, which is neutral and slightly polar, at codon 2001 of the COL12A1 protein (p.Ser2001Cys). This variant is not present in population databases (gnomAD no frequency). This variant has not been reported in the literature in individuals affected with COL12A1-related conditions. ClinVar contains an entry for this variant (Variation ID: 1053175). Invitae Evidence Modeling of protein sequence and biophysical properties (such as structural, functional, and spatial information, amino acid conservation, physicochemical variation, residue mobility, and thermodynamic stability) has been performed for this missense variant. However, the output from this modeling did not meet the statistical confidence thresholds required to predict the impact of this variant on COL12A1 protein function. In summary, the available evidence is currently insufficient to determine the role of this variant in disease. Therefore, it has been classified as a Variant of Uncertain Significance.

NM_004370.6(COL12A1):c.6002C>G (p.Ser2001Cys)

Gene: COL12A1 (collagen type XII alpha 1 chain; minus strand). Cytogenetic location: 6q13.
Variant type: single nucleotide variant.
Coding change: c.6002C>G on transcript NM_004370.6 (MANE Select); coding-DNA position 6002, C replaced by G.
Protein change: p.Ser2001Cys; replaces serine 2001 with cysteine.
Molecular consequence: missense variant.
Genome position (GRCh38, 1-based): chr6:75,130,917, G>C on the plus strand (C>G on the coding strand, the complement: COL12A1 is on the minus strand). VCF-style: chr6-75130917-G-C. GRCh37 (hg19) VCF-style: chr6-75840633-G-C.
Other names: c.2510C>G, p.Ser837Cys (NM_080645.3); short protein forms S2001C, S837C.
Identifiers: ClinVar variation 1053175 (VCV001053175.10), dbSNP rs1766270191, ClinGen allele CA364732406.